The following is an entry in ClinVar:

NM_001163278.2(TENM1):c.4104+5G>A

Gene: TENM1 (teneurin transmembrane protein 1; minus strand). Cytogenetic location: Xq25.
Variant type: single nucleotide variant.
Coding change: c.4104+5G>A on transcript NM_001163278.2 (MANE Select); 5 bases into the intron after coding-DNA position 4104, G replaced by A.
Molecular consequence: intron variant.
Genome position (GRCh38, 1-based): chrX:124,453,332, C>T on the plus strand (G>A on the coding strand, the complement: TENM1 is on the minus strand). VCF-style: chrX-124453332-C-T. GRCh37 (hg19) VCF-style: chrX-123587182-C-T.
Other names: c.4101+5G>A (NM_001163279.1); c.4083+5G>A (NM_014253.3).
Identifiers: ClinVar variation 3771701 (VCV003771701.13).

ClinVar aggregate classification (germline): Likely benign (1 of 4 stars; one submission).

gnomAD v4.1: 6 of 1,196,574 alleles (0.0005%); highest among the groups gnomAD compares: Non-Finnish European, 0.00067%; no homozygotes.

Submission:

CeGaT Center for Human Genetics Tuebingen
Classification: Likely benign. Last evaluated: 2024-12-01. Review status: criteria provided, single submitter. Criteria: CeGaT Center For Human Genetics Tuebingen Variant Classification Criteria Version 2. Collection method: clinical testing. Allele origin: germline. Affected: yes. Observed: 1 variant allele.
Comment: TENM1: BP4